The following is an entry in ClinVar:

NM_002382.5(MAX):c.448C>G (p.Gln150Glu)

Gene: MAX (MYC associated transcriptional regulator X; minus strand). Cytogenetic location: 14q23.3.
Variant type: single nucleotide variant.
Coding change: c.448C>G on transcript NM_002382.5 (MANE Select); coding-DNA position 448, C replaced by G.
Protein change: p.Gln150Glu; replaces glutamine 150 with glutamic acid.
Molecular consequence: missense variant. On other transcripts: 3 prime UTR variant (12), non-coding transcript variant (7), intron variant (2).
Genome position (GRCh38, 1-based): chr14:65,076,511, G>C on the plus strand (C>G on the coding strand, the complement: MAX is on the minus strand). VCF-style: chr14-65076511-G-C. GRCh37 (hg19) VCF-style: chr14-65543229-G-C.
Other names: c.259C>G, p.Gln87Glu (NM_001320415.2, NM_001407105.1, NM_001407106.1 and 1 more transcripts); c.448C>G, p.Gln150Glu (NM_001407094.1); c.421C>G, p.Gln141Glu (NM_001407095.1, NM_145112.3); c.*221C>G (NM_001407096.1, NM_001407099.1, NM_001407102.1 and 2 more transcripts); c.*237C>G (NM_001407097.1, NM_001407100.1, NM_001407101.1 and 4 more transcripts); c.340C>G, p.Gln114Glu (NM_001407098.1); c.247C>G, p.Gln83Glu (NM_001407111.1, NM_001407112.1); c.144+17197C>G (NM_001271069.2); and 1 more; short protein forms Q87E, Q141E, Q150E, Q114E, Q83E.
Identifiers: ClinVar variation 5023988 (VCV005023988.1).

ClinVar aggregate classification (germline): Uncertain significance (1 of 4 stars; one submission).

Conditions:
Hereditary cancer-predisposing syndrome. Also called: Neoplastic Syndromes, Hereditary; Tumor predisposition; Hereditary neoplastic syndrome; Hereditary Cancer Syndrome. Identifiers: Orphanet 140162, MedGen C0027672, MeSH D009386, MONDO:0015356.

Submission:

Ambry Genetics
Classification: Uncertain significance for Hereditary cancer-predisposing syndrome. Last evaluated: 2026-08-16. Review status: criteria provided, single submitter. Criteria: Ambry Variant Classification Scheme 2023. Collection method: clinical testing. Allele origin: germline.
Comment: The p.Q150E variant (also known as c.448C>G), located in coding exon 5 of the MAX gene, results from a C to G substitution at nucleotide position 448. The glutamine at codon 150 is replaced by glutamic acid, an amino acid with highly similar properties. This amino acid position is conserved. In addition, the in silico prediction for this alteration is inconclusive. Based on the available evidence, the clinical significance of this variant remains unclear.